The following is an entry in ClinVar:

NM_172107.4(KCNQ2):c.1887+16C>T

Gene: KCNQ2 (potassium voltage-gated channel subfamily Q member 2; minus strand). Cytogenetic location: 20q13.33.
Variant type: single nucleotide variant.
Coding change: c.1887+16C>T on transcript NM_172107.4 (MANE Select); 16 bases into the intron after coding-DNA position 1887, C replaced by T.
Molecular consequence: intron variant.
Genome position (GRCh38, 1-based): chr20:63,408,397, G>A on the plus strand (C>T on the coding strand, the complement: KCNQ2 is on the minus strand). VCF-style: chr20-63408397-G-A. GRCh37 (hg19) VCF-style: chr20-62039750-G-A.
Other names: c.1803+16C>T (NM_004518.6); c.1794+16C>T (NM_172108.5); c.1833+16C>T (NM_172106.3).
Identifiers: ClinVar variation 379112 (VCV000379112.7), dbSNP rs369329706, ClinGen allele CA9958225.

ClinVar aggregate classification (germline): Likely benign. Review status: criteria provided, multiple submitters, no conflicts (2 of 4 stars). 2 submissions from 2 submitters: Likely benign (2). Last evaluated 2024-12-03.

Conditions:
Early-infantile DEE. Also called: Ohtahara syndrome; Early infantile epileptic encephalopathy with suppression bursts; Early infantile epileptic encephalopathy. Identifiers: Orphanet 1934, MedGen C0393706, MONDO:0800491.

Allele frequency attached by ClinVar (database versions not stated): TOPMed 0.00002.
gnomAD v4.1: 26 of 1,604,052 alleles (0.0016%); highest among the groups gnomAD compares: Middle Eastern, 0.017%; no homozygotes.

Submissions (2):

Labcorp Genetics (formerly Invitae), Labcorp
Classification: Likely benign for Early-infantile DEE. Last evaluated: 2024-12-03. Review status: criteria provided, single submitter. Criteria: Invitae Variant Classification Sherloc (09022015). Collection method: clinical testing. Allele origin: germline.

GeneDx
Classification: Likely benign. Last evaluated: 2016-09-21. Review status: criteria provided, single submitter. Criteria: GeneDx Variant Classification (06012015). Collection method: clinical testing. Allele origin: germline. Affected: yes.
Comment: This variant is considered likely benign or benign based on one or more of the following criteria: it is a conservative change, it occurs at a poorly conserved position in the protein, it is predicted to be benign by multiple in silico algorithms, and/or has population frequency not consistent with disease.